The following is an entry in ClinVar:

NM_016373.4(WWOX):c.1170C>A (p.Ser390Arg)

Genes: MAF (MAF bZIP transcription factor; minus strand), WWOX (WW domain containing oxidoreductase; plus strand). Cytogenetic location: 16q23.2.
Variant type: single nucleotide variant.
Coding change: c.1170C>A on transcript NM_016373.4 (MANE Select); coding-DNA position 1170, C replaced by A.
Protein change: p.Ser390Arg; replaces serine 390 with arginine.
Molecular consequence: missense variant.
Genome position (GRCh38, 1-based): chr16:79,211,721, C>A. VCF-style: chr16-79211721-C-A. GRCh37 (hg19) VCF-style: chr16-79245618-C-A.
Other names: c.831C>A, p.Ser277Arg (NM_001291997.2); short protein forms S390R, S277R.
Identifiers: ClinVar variation 410096 (VCV000410096.7), dbSNP rs372635911, ClinGen allele CA16615013.
Genomic context (GRCh38, chr16:79,211,721, plus strand): 5'-TCTGGGAGGGATGTACTTCAACAACTGCTGCCGCTGCATGCCCTCACCAGAAGCTCAGAG[C>A]GAAGAGACGGCCCGGACCCTGTGGGCGCTCAGCGAGAGGCTGATCCAAGAACGGCTTGGC-3'
Protein context (NP_057457.1, residues 380-400): CRCMPSPEAQ[Ser390Arg]EETARTLWAL

ClinVar aggregate classification (germline): Uncertain significance (1 of 4 stars; one submission).

Conditions:
Autosomal recessive spinocerebellar ataxia 12. Also called: SPINOCEREBELLAR ATAXIA WITH MENTAL RETARDATION AND EPILEPSY. Identifiers: Orphanet 284282, MedGen C3280452, MONDO:0013687, OMIM 614322.
Developmental and epileptic encephalopathy, 1 (DEE1). Also called: X-linked infantile spasms; West's syndrome; Tonic spasms with clustering, arrest of psychomotor development and hypsarrhythmia on EEG; X-Linked Infantile Spasm Syndrome; OHTAHARA SYNDROME, X-LINKED; INFANTILE SPASM SYNDROME, X-LINKED 1. Identifiers: MedGen C3463992, MONDO:0010632, OMIM 308350. Disease mechanism: loss of function.

gnomAD v4.1: 5 of 1,614,186 alleles (0.00031%); highest among the groups gnomAD compares: Non-Finnish European, 0.00042%; no homozygotes.

Submission:

Labcorp Genetics (formerly Invitae), Labcorp
Classification: Uncertain significance for Developmental and epileptic encephalopathy, 1; Autosomal recessive spinocerebellar ataxia 12. Last evaluated: 2019-06-17. Review status: criteria provided, single submitter. Criteria: Invitae Variant Classification Sherloc (09022015). Collection method: clinical testing. Allele origin: germline.
Comment: In summary, this variant is a novel missense change that is not predicted to affect protein function. There is no indication that it causes disease, but the available evidence is currently insufficient to prove that conclusively. Therefore, it has been classified as a Variant of Uncertain Significance. Algorithms developed to predict the effect of missense changes on protein structure and function output the following: (SIFT: "Tolerated"; PolyPhen-2: "Benign"; Align-GVGD: "Class C0"). The arginine amino acid residue is found in multiple mammalian species, suggesting that this missense change does not adversely affect protein function. These predictions have not been confirmed by published functional studies. This variant is not present in population databases (ExAC no frequency) and has not been reported in the literature in individuals with a WWOX-related disease. This sequence change replaces serine with arginine at codon 390 of the WWOX protein (p.Ser390Arg). The serine residue is weakly conserved and there is a moderate physicochemical difference between serine and arginine.